The following is an entry in ClinVar:

ClinVar aggregate classification (germline): Pathogenic (1 of 4 stars; one submission).

Conditions:
Propionic acidemia (PROP). Also called: GLYCINEMIA, KETOTIC; HYPERGLYCINEMIA WITH KETOACIDOSIS AND LEUKOPENIA; KETOTIC HYPERGLYCINEMIA. Identifiers: Orphanet 35, MedGen C0268579, MONDO:0011628, OMIM 606054, HP:0003571.

Submission:

Myriad Genetics, Inc.
Classification: Pathogenic for Propionic acidemia. Last evaluated: 2023-08-17. Review status: criteria provided, single submitter. Criteria: Myriad Autosomal Dominant, Autosomal Recessive and X-Linked Classification Criteria (2023). Collection method: clinical testing. Allele origin: unknown.
Comment: NM_000532.4(PCCB):c.1028delG(G343Vfs*5) is expected to be pathogenic in the context of PCCB-related propionic acidemia. This variant is predicted to lead to an abnormal or absent protein product due to the creation of a premature termination codon in PCCB, a gene where loss-of-function variants are known to be pathogenic. Please note: this variant was assessed in the context of healthy population screening.

NM_000532.5(PCCB):c.1028del (p.Gly343fs)

Gene: PCCB (propionyl-CoA carboxylase subunit beta; plus strand). Cytogenetic location: 3q22.3.
Variant type: Deletion.
Coding change: c.1028del on transcript NM_000532.5 (MANE Select); coding-DNA position 1028, one base deleted (G; older notation c.1028delG).
Protein change: p.Gly343fs; shifts the reading frame from glycine 343.
Molecular consequence: frameshift variant.
Genome position (GRCh38, 1-based): chr3:136,317,002, G deleted; the last of 2 consecutive G bases (chr3:136,317,001-136,317,002); deleting either gives the same sequence. VCF-style (leftmost placement, unchanged base first): chr3-136317000-TG-T. GRCh37 (hg19) VCF-style: chr3-136035842-TG-T.
Other names: c.1088del, p.Gly363fs (NM_001178014.2); short protein forms G343fs, G363fs.
Identifiers: ClinVar variation 5011375 (VCV005011375.1).